The following is an entry in ClinVar:

ClinVar aggregate classification (germline): Pathogenic. Review status: criteria provided, multiple submitters, no conflicts (2 of 4 stars). 8 submissions from 8 submitters: Pathogenic (8). Last evaluated 2024-05-27.

Conditions:
Retinal dystrophy. Also called: Inherited retinal dystrophy. Identifiers: Orphanet 71862, MedGen C0854723, MeSH D058499, MONDO:0019118, HP:0000556.
PROM1-related disorder. Also called: PROM1-related condition; PROM1-related disorders.
Retinitis pigmentosa 41 (RP41). Also called: RETINAL DEGENERATION, AUTOSOMAL RECESSIVE, PROMININ-RELATED. Identifiers: Orphanet 791, MedGen C2677516, MONDO:0012796, OMIM 612095.
Cone-rod dystrophy 12 (CORD12). Identifiers: Orphanet 1872, MedGen C2675210, MONDO:0012983, OMIM 612657.

Allele frequency attached by ClinVar (database versions not stated): ExAC 0.00001; gnomAD 0.00001; 1000 Genomes Project 0.00020; 1000 Genomes Project 30x 0.00031.

Submissions (8):

Ophthalmic Genetics Group, Institute of Molecular and Clinical Ophthalmology Basel
Classification: Pathogenic for Retinal dystrophy. Last evaluated: 2024-05-27. Review status: criteria provided, single submitter. Criteria: ACMG Guidelines, 2015. Collection method: research. Allele origin: germline. Affected: yes. Observed: 7 variant alleles.
Comment: This variant was classified as Pathogenic based on ACMG criteria: PVS1_very strong, PS4_mod and PM2_mod

Dept Of Ophthalmology, Nagoya University
Classification: Pathogenic for Retinal dystrophy. Last evaluated: 2023-10-01. Review status: criteria provided, single submitter. Criteria: Submitter's publication. Collection method: research. Allele origin: germline. Affected: yes.

Labcorp Genetics (formerly Invitae), Labcorp
Classification: Pathogenic. Last evaluated: 2022-07-05. Review status: criteria provided, single submitter. Criteria: Invitae Variant Classification Sherloc (09022015). Collection method: clinical testing. Allele origin: germline.
Comment: This sequence change creates a premature translational stop signal (p.Arg684*) in the PROM1 gene. It is expected to result in an absent or disrupted protein product. Loss-of-function variants in PROM1 are known to be pathogenic (PMID: 17605048, 19718270, 24154662, 25474345). For these reasons, this variant has been classified as Pathogenic. Algorithms developed to predict the effect of sequence changes on RNA splicing suggest that this variant may disrupt the consensus splice site. ClinVar contains an entry for this variant (Variation ID: 634483). This variant is also known as c.2023C>T (p.Arg675Ter). This premature translational stop signal has been observed in individual(s) with autosomal recessive PROM1-related conditions (PMID: 29343940, 31054281). The frequency data for this variant in the population databases is considered unreliable, as metrics indicate poor data quality at this position in the gnomAD database.

3billion
Classification: Pathogenic for Retinitis pigmentosa 41. Last evaluated: 2022-01-03. Review status: criteria provided, single submitter. Criteria: ACMG Guidelines, 2015. Collection method: clinical testing. Allele origin: germline. Affected: yes. Observed: 1 homozygote.
Comment: Stop-gained (nonsense): predicted to result in a loss or disruption of normal protein function through nonsense-mediated decay (NMD) or protein truncation. Multiple pathogenic variants are reported downstream of the variant (PVS1_VS). The variant has been reported at least twice as pathogenic/likely pathogenic with clinical assertions and evidence for the classification (ClinVar ID: VCV000634483, PMID:29343940). It is observed at an extremely low frequency in the gnomAD v2.1.1 dataset (total allele frequency: 0.000008, PM2_M). Therefore, this variant is classified as pathogenic according to the recommendation of ACMG/AMP guideline.

Blueprint Genetics
Classification: Pathogenic for PROM1-related disorders. Last evaluated: 2021-08-17. Review status: criteria provided, single submitter. Criteria: ACMG Guidelines, 2015. Collection method: clinical testing. Allele origin: germline. Affected: yes. Observed: 3 variant alleles.

CeGaT Center for Human Genetics Tuebingen
Classification: Pathogenic. Last evaluated: 2020-01-01. Review status: criteria provided, single submitter. Criteria: CeGaT Center For Human Genetics Tuebingen Variant Classification Criteria Version 2. Collection method: clinical testing. Allele origin: germline. Affected: yes. Observed: 3 variant alleles.

Genomic Research Center, Shahid Beheshti University of Medical Sciences
Classification: Pathogenic for Retinitis pigmentosa 41. Last evaluated: 2019-01-01. Review status: criteria provided, single submitter. Criteria: ACMG Guidelines, 2015. Collection method: clinical testing. Allele origin: inherited. Affected: yes. Observed: 1 variant allele.

Juno Genomics, Hangzhou Juno Genomics, Inc
Classification: Pathogenic for Cone-rod dystrophy 12. Review status: criteria provided, single submitter. Criteria: ACMG Guidelines, 2015. Collection method: clinical testing. Allele origin: germline. Affected: yes.
Comment: Null variant in a gene where loss of function (LOF) is a known mechanism of disease.;Absent from controls (or at extremely low frequency if recessive) in Genome Aggregation Database, Exome Sequencing Project, 1000 Genomes Project, or Exome Aggregation Consortium.;For recessive disorders, detected in trans with a pathogenic variant.;Patient's phenotype or family history is highly specific for a disease with a single genetic etiology.

Literature cited by the submitters: PubMed 17605048 (cited by Ophthalmic Genetics Group, Institute of Molecular and Clinical Ophthalmology Basel and Labcorp Genetics (formerly Invitae), Labcorp); PubMed 19718270 (cited by Ophthalmic Genetics Group, Institute of Molecular and Clinical Ophthalmology Basel and Labcorp Genetics (formerly Invitae), Labcorp); PubMed 40180963 (cited by Ophthalmic Genetics Group, Institute of Molecular and Clinical Ophthalmology Basel); PubMed 24154662 (cited by Labcorp Genetics (formerly Invitae), Labcorp); PubMed 25474345 (cited by Labcorp Genetics (formerly Invitae), Labcorp); PubMed 29343940 (cited by Labcorp Genetics (formerly Invitae), Labcorp and 3billion); PubMed 31054281 (cited by Labcorp Genetics (formerly Invitae), Labcorp).

NM_006017.3(PROM1):c.2050C>T (p.Arg684Ter)

Gene: PROM1 (prominin 1; minus strand). Cytogenetic location: 4p15.32.
Variant type: single nucleotide variant.
Coding change: c.2050C>T on transcript NM_006017.3 (MANE Select); coding-DNA position 2050, C replaced by T.
Protein change: p.Arg684Ter; replaces arginine 684 with a stop codon.
Molecular consequence: nonsense.
Genome position (GRCh38, 1-based): chr4:15,989,758, G>A on the plus strand (C>T on the coding strand, the complement: PROM1 is on the minus strand). VCF-style: chr4-15989758-G-A. GRCh37 (hg19) VCF-style: chr4-15991381-G-A.
Other names: NP_006008.1:p.(Arg684Ter); c.2023C>T, p.Arg675Ter (NM_001145847.2, NM_001145848.2, NM_001145851.2 and 4 more transcripts); c.2050C>T, p.Arg684Ter (NM_001145849.2, NM_001145850.2); short protein forms R684*, R675*.
Identifiers: ClinVar variation 634483 (VCV000634483.56), dbSNP rs530749007, ClinGen allele CA2866537.